The following is an entry in ClinVar:

NM_018036.7(ATG2B):c.925-9T>C

Gene: ATG2B (autophagy related 2B; minus strand). Cytogenetic location: 14q32.2.
Variant type: single nucleotide variant.
Coding change: c.925-9T>C on transcript NM_018036.7 (MANE Select); 9 bases into the intron before coding-DNA position 925, T replaced by C.
Molecular consequence: intron variant.
Genome position (GRCh38, 1-based): chr14:96,334,510, A>G on the plus strand (T>C on the coding strand, the complement: ATG2B is on the minus strand). VCF-style: chr14-96334510-A-G. GRCh37 (hg19) VCF-style: chr14-96800847-A-G.
Identifiers: ClinVar variation 3050648 (VCV003050648.2), dbSNP rs78754970, ClinGen allele CA266029407.

ClinVar aggregate classification (germline): Likely benign (0 of 4 stars; one submission).

Conditions:
ATG2B-related disorder. Also called: ATG2B-related condition.

Allele frequency attached by ClinVar (database versions not stated): gnomAD 0.00001; gnomAD exomes 0.00003; TOPMed 0.00003.
gnomAD v4.1: 32 of 1,012,242 alleles (0.0032%); highest among the groups gnomAD compares: East Asian, 0.018%; no homozygotes.

Submission:

PreventionGenetics, part of Exact Sciences
Classification: Likely benign for ATG2B-related condition. Last evaluated: 2019-07-16. Review status: no assertion criteria provided. Collection method: clinical testing. Allele origin: germline.
Comment: This variant is classified as likely benign based on ACMG/AMP sequence variant interpretation guidelines (Richards et al. 2015 PMID: 25741868, with internal and published modifications).